The following is an entry in ClinVar:

ClinVar aggregate classification (germline): Conflicting classifications of pathogenicity. Review status: criteria provided, conflicting classifications (1 of 4 stars). 2 submissions from 2 submitters: Uncertain significance (1); Likely benign (1). Last evaluated 2024-06-27.

Allele frequency attached by ClinVar (database versions not stated): TOPMed below 0.00001; gnomAD 0.00001; gnomAD exomes 0.00001.

Submissions (2):

Blueprint Genetics
Classification: Likely benign. Last evaluated: 2024-06-27. Review status: criteria provided, single submitter. Criteria: ACMG Guidelines, 2015. Collection method: clinical testing. Allele origin: germline.

Labcorp Genetics (formerly Invitae), Labcorp
Classification: Uncertain significance. Last evaluated: 2022-10-25. Review status: criteria provided, single submitter. Criteria: Invitae Variant Classification Sherloc (09022015). Collection method: clinical testing. Allele origin: germline.
Comment: This sequence change replaces arginine, which is basic and polar, with histidine, which is basic and polar, at codon 1362 of the MYO18B protein (p.Arg1362His). The frequency data for this variant in the population databases is considered unreliable, as metrics indicate poor data quality at this position in the gnomAD database. This variant has not been reported in the literature in individuals affected with MYO18B-related conditions. Algorithms developed to predict the effect of missense changes on protein structure and function output the following: SIFT: "Not Available"; PolyPhen-2: "Benign"; Align-GVGD: "Not Available". The histidine amino acid residue is found in multiple mammalian species, which suggests that this missense change does not adversely affect protein function. In summary, the available evidence is currently insufficient to determine the role of this variant in disease. Therefore, it has been classified as a Variant of Uncertain Significance.

NM_032608.7(MYO18B):c.4085G>A (p.Arg1362His)

Gene: MYO18B (myosin XVIIIB; plus strand). Cytogenetic location: 22q12.1.
Variant type: single nucleotide variant.
Coding change: c.4085G>A on transcript NM_032608.7 (MANE Select); coding-DNA position 4085, G replaced by A.
Protein change: p.Arg1362His; replaces arginine 1362 with histidine.
Molecular consequence: missense variant.
Genome position (GRCh38, 1-based): chr22:25,876,193, G>A. VCF-style: chr22-25876193-G-A. GRCh37 (hg19) VCF-style: chr22-26272160-G-A.
Other names: c.4088G>A, p.Arg1363His (NM_001318245.2); short protein forms R1362H, R1363H.
Identifiers: ClinVar variation 2076988 (VCV002076988.2), dbSNP rs1224908882, ClinGen allele CA411007196.